The following is an entry in ClinVar:

NM_012464.5(TLL1):c.1446T>C (p.Tyr482=)

Genes: TLL1 (tolloid like 1; plus strand), LOC126807212 (BRD4-independent group 4 enhancer GRCh37_chr4:166963784-166964983; plus strand). Cytogenetic location: 4q32.3.
Variant type: single nucleotide variant.
Coding change: c.1446T>C on transcript NM_012464.5 (MANE Select); coding-DNA position 1446, T replaced by C.
Protein change: p.Tyr482=; no amino-acid change (tyrosine 482 retained).
Molecular consequence: synonymous variant.
Genome position (GRCh38, 1-based): chr4:166,043,341, T>C. VCF-style: chr4-166043341-T-C. GRCh37 (hg19) VCF-style: chr4-166964493-T-C.
Identifiers: ClinVar variation 3251023 (VCV003251023.18), dbSNP rs1203693880.

ClinVar aggregate classification (germline): Likely benign (1 of 4 stars; one submission).

Allele frequency attached by ClinVar (database versions not stated): gnomAD exomes below 0.00001.
gnomAD v4.1: 1 of 1,614,142 alleles (0.000062%); highest among the groups gnomAD compares: East Asian, 0.0022%; no homozygotes.

Submission:

CeGaT Center for Human Genetics Tuebingen
Classification: Likely benign. Last evaluated: 2024-06-01. Review status: criteria provided, single submitter. Criteria: CeGaT Center For Human Genetics Tuebingen Variant Classification Criteria Version 2. Collection method: clinical testing. Allele origin: germline. Affected: yes. Observed: 1 variant allele.
Comment: TLL1: BP4, BP7